The following is an entry in ClinVar:

ClinVar aggregate classification (germline): Uncertain significance (1 of 4 stars; one submission).

Conditions:
Cardiovascular phenotype. Identifiers: MedGen CN230736.

Allele frequency attached by ClinVar (database versions not stated): gnomAD exomes below 0.00001.

Submission:

Ambry Genetics
Classification: Uncertain significance for Cardiovascular phenotype. Last evaluated: 2023-08-07. Review status: criteria provided, single submitter. Criteria: Ambry Variant Classification Scheme 2023. Collection method: clinical testing. Allele origin: germline.
Comment: The p.D741G variant (also known as c.2222A>G), located in coding exon 13 of the JUP gene, results from an A to G substitution at nucleotide position 2222. The aspartic acid at codon 741 is replaced by glycine, an amino acid with similar properties. This amino acid position is conserved. In addition, this alteration is predicted to be tolerated by in silico analysis. Since supporting evidence is limited at this time, the clinical significance of this alteration remains unclear.

NM_002230.4(JUP):c.2222A>G (p.Asp741Gly)

Gene: JUP (junction plakoglobin; minus strand). Cytogenetic location: 17q21.2.
Variant type: single nucleotide variant.
Coding change: c.2222A>G on transcript NM_002230.4 (MANE Select); coding-DNA position 2222, A replaced by G.
Protein change: p.Asp741Gly; replaces aspartic acid 741 with glycine.
Molecular consequence: missense variant.
Genome position (GRCh38, 1-based): chr17:41,755,760, T>C on the plus strand (A>G on the coding strand, the complement: JUP is on the minus strand). VCF-style: chr17-41755760-T-C. GRCh37 (hg19) VCF-style: chr17-39912012-T-C.
Other names: c.2222A>G, p.Asp741Gly (NM_001352773.2, NM_001352774.2, NM_001352775.2 and 3 more transcripts); short protein forms D741G.
Identifiers: ClinVar variation 2625421 (VCV002625421.2), dbSNP rs1555597332, ClinGen allele CA399490240.